The following is an entry in ClinVar:

ClinVar aggregate classification (germline): Uncertain significance. Review status: criteria provided, multiple submitters, no conflicts (2 of 4 stars). 3 submissions from 3 submitters: Uncertain significance (3). Last evaluated 2025-07-11.

Conditions:
Glycogen storage disease IXd (GSD9D). Also called: Muscle Phosphorylase Kinase Deficiency; GSD IXd. Identifiers: Orphanet 715, MedGen C1845151, MONDO:0010362, OMIM 300559.

gnomAD v4.1: 17 of 1,106,968 alleles (0.0015%); highest among the groups gnomAD compares: Non-Finnish European, 0.002%; no homozygotes.

Submissions (3):

GeneDx
Classification: Uncertain significance. Last evaluated: 2025-07-11. Review status: criteria provided, single submitter. Criteria: GeneDx Variant Classification Process June 2021. Collection method: clinical testing. Allele origin: germline. Affected: yes.
Comment: Not observed at significant frequency in large population cohorts (gnomAD); In silico analysis supports that this missense variant has a deleterious effect on protein structure/function; Has not been previously published as pathogenic or benign to our knowledge

Labcorp Genetics (formerly Invitae), Labcorp
Classification: Uncertain significance for Glycogen storage disease IXd. Last evaluated: 2024-12-23. Review status: criteria provided, single submitter. Criteria: Invitae Variant Classification Sherloc (09022015). Collection method: clinical testing. Allele origin: germline.
Comment: This sequence change replaces valine, which is neutral and non-polar, with phenylalanine, which is neutral and non-polar, at codon 380 of the PHKA1 protein (p.Val380Phe). This variant is not present in population databases (gnomAD no frequency). This variant has not been reported in the literature in individuals affected with PHKA1-related conditions. An algorithm developed to predict the effect of missense changes on protein structure and function (PolyPhen-2) suggests that this variant is likely to be disruptive. In summary, the available evidence is currently insufficient to determine the role of this variant in disease. Therefore, it has been classified as a Variant of Uncertain Significance.

Blueprint Genetics
Classification: Uncertain significance. Last evaluated: 2024-11-06. Review status: criteria provided, single submitter. Criteria: ACMG Guidelines, 2015. Collection method: clinical testing. Allele origin: germline.

NM_002637.4(PHKA1):c.1138G>T (p.Val380Phe)

Gene: PHKA1 (phosphorylase kinase regulatory subunit alpha 1; minus strand). Cytogenetic location: Xq13.1.
Variant type: single nucleotide variant.
Coding change: c.1138G>T on transcript NM_002637.4 (MANE Select); coding-DNA position 1138, G replaced by T.
Protein change: p.Val380Phe; replaces valine 380 with phenylalanine.
Molecular consequence: missense variant.
Genome position (GRCh38, 1-based): chrX:72,652,651, C>A on the plus strand (G>T on the coding strand, the complement: PHKA1 is on the minus strand). VCF-style: chrX-72652651-C-A. GRCh37 (hg19) VCF-style: chrX-71872501-C-A.
Other names: c.1138G>T, p.Val380Phe (NM_001122670.2, NM_001172436.2, NM_001431068.1); c.1138G>T (NM_002637.3); short protein forms V380F.
Identifiers: ClinVar variation 3715824 (VCV003715824.4).